The following is an entry in ClinVar:

ClinVar aggregate classification (germline): Uncertain significance (1 of 4 stars; one submission).

Submission:

CeGaT Center for Human Genetics Tuebingen
Classification: Uncertain significance. Last evaluated: 2025-11-01. Review status: criteria provided, single submitter. Criteria: CeGaT Center For Human Genetics Tuebingen Variant Classification Criteria Version 2. Collection method: clinical testing. Allele origin: germline. Affected: yes. Observed: 1 variant allele.
Comment: KCNT1: PM2, PS2:Supporting, BP4

NM_020822.3(KCNT1):c.1718G>T (p.Arg573Leu)

Gene: KCNT1 (potassium sodium-activated channel subfamily T member 1; plus strand). Cytogenetic location: 9q34.3.
Variant type: single nucleotide variant.
Coding change: c.1718G>T on transcript NM_020822.3 (MANE Select); coding-DNA position 1718, G replaced by T.
Protein change: p.Arg573Leu; replaces arginine 573 with leucine.
Molecular consequence: missense variant.
Genome position (GRCh38, 1-based): chr9:135,770,396, G>T. VCF-style: chr9-135770396-G-T. GRCh37 (hg19) VCF-style: chr9-138662242-G-T.
Other names: c.1583G>T, p.Arg528Leu (NM_001272003.2); short protein forms R528L, R573L.
Identifiers: ClinVar variation 4534768 (VCV004534768.6).